The following is an entry in ClinVar:

NM_001999.4(FBN2):c.6881-1G>T

Gene: FBN2 (fibrillin 2; minus strand). Cytogenetic location: 5q23.3.
Variant type: single nucleotide variant.
Coding change: c.6881-1G>T on transcript NM_001999.4 (MANE Select); the canonical splice acceptor site of the intron before coding-DNA position 6881, G replaced by T.
Molecular consequence: splice acceptor variant.
Genome position (GRCh38, 1-based): chr5:128,286,850, C>A on the plus strand (G>T on the coding strand, the complement: FBN2 is on the minus strand). VCF-style: chr5-128286850-C-A. GRCh37 (hg19) VCF-style: chr5-127622542-C-A.
Identifiers: ClinVar variation 2901904 (VCV002901904.3), dbSNP rs779540232, ClinGen allele CA3394274.

ClinVar aggregate classification (germline): Uncertain significance (1 of 4 stars; one submission).

Conditions:
Congenital contractural arachnodactyly (CCA). Also called: BEALS SYNDROME; Beals-Hecht syndrome; Arthrogryposis, distal, type 9. Identifiers: Orphanet 115, MedGen C0220668, MONDO:0007363, OMIM 121050.

Allele frequency attached by ClinVar (database versions not stated): ExAC 0.00001.
gnomAD v4.1: 1 of 1,613,888 alleles (0.000062%); no homozygotes.

Submission:

Labcorp Genetics (formerly Invitae), Labcorp
Classification: Uncertain significance for Congenital contractural arachnodactyly. Last evaluated: 2023-11-19. Review status: criteria provided, single submitter. Criteria: Invitae Variant Classification Sherloc (09022015). Collection method: clinical testing. Allele origin: germline.
Comment: This sequence change affects an acceptor splice site in intron 54 of the FBN2 gene. It is expected to disrupt RNA splicing. Variants that disrupt the donor or acceptor splice site typically lead to a loss of protein function (PMID: 16199547), however the current clinical and genetic evidence is not sufficient to establish whether loss-of-function variants in FBN2 cause disease. This variant is present in population databases (rs779540232, gnomAD 0.01%). This variant has not been reported in the literature in individuals affected with FBN2-related conditions. Algorithms developed to predict the effect of sequence changes on RNA splicing suggest that this variant may disrupt the consensus splice site. In summary, the available evidence is currently insufficient to determine the role of this variant in disease. Therefore, it has been classified as a Variant of Uncertain Significance.

Literature cited by the submitters: PubMed 16199547.